The following is an entry in ClinVar:

ClinVar aggregate classification (germline): Uncertain significance (1 of 4 stars; one submission).

gnomAD v4.1: 13 of 1,613,830 alleles (0.00081%); highest among the groups gnomAD compares: Non-Finnish European, 0.0011%; no homozygotes.

Submission:

GeneDx
Classification: Uncertain significance. Last evaluated: 2023-07-06. Review status: criteria provided, single submitter. Criteria: GeneDx Variant Classification Process June 2021. Collection method: clinical testing. Allele origin: germline. Affected: yes.
Comment: In silico analysis supports that this missense variant has a deleterious effect on protein structure/function; Has not been previously published as pathogenic or benign to our knowledge

NM_000458.4(HNF1B):c.1222G>A (p.Gly408Arg)

Gene: HNF1B (HNF1 homeobox B; minus strand). Cytogenetic location: 17q12.
Variant type: single nucleotide variant.
Coding change: c.1222G>A on transcript NM_000458.4 (MANE Select); coding-DNA position 1222, G replaced by A.
Protein change: p.Gly408Arg; replaces glycine 408 with arginine.
Molecular consequence: missense variant.
Genome position (GRCh38, 1-based): chr17:37,705,034, C>T on the plus strand (G>A on the coding strand, the complement: HNF1B is on the minus strand). VCF-style: chr17-37705034-C-T. GRCh37 (hg19) VCF-style: chr17-36065041-C-T.
Other names: c.1144G>A, p.Gly382Arg (NM_001165923.4, NM_001304286.2); c.1222G>A, p.Gly408Arg (NM_001411100.1); short protein forms G382R, G408R.
Identifiers: ClinVar variation 3360565 (VCV003360565.1).
Genomic context (GRCh38, chr17:37,705,034, plus strand): 5'-GGGGATTATGGTGGGAGAGGCTGTGGATATTCGTCAAGGTGCTGACTGGGGGCAAACCTC[C>T]TCCTGAGACTGAGATCTGATGGAGAGAAAAAAACAAGAGAAACATGGGTGGACTTGGACC-3'
Protein context (NP_000449.1, residues 398-418): PDGKMISVSG[Gly408Arg]GLPPVSTLTN